The following is an entry in ClinVar:

ClinVar aggregate classification (germline): Conflicting classifications of pathogenicity. Review status: criteria provided, conflicting classifications (1 of 4 stars). 2 submissions from 2 submitters: Uncertain significance (1); Likely benign (1). Last evaluated 2024-03-05.

Conditions:
Cardiovascular phenotype. Identifiers: MedGen CN230736.
Dilated cardiomyopathy 1HH (CMD1HH). Identifiers: Orphanet 154, MedGen C3151293, MONDO:0013479, OMIM 613881.
Myofibrillar myopathy 6. Identifiers: Orphanet 199340, MedGen C2751831, MONDO:0013061, OMIM 612954.

Submissions (2):

Ambry Genetics
Classification: Likely benign for Cardiovascular phenotype. Last evaluated: 2024-03-05. Review status: criteria provided, single submitter. Criteria: Ambry Variant Classification Scheme 2023. Collection method: clinical testing. Allele origin: germline.

Labcorp Genetics (formerly Invitae), Labcorp
Classification: Uncertain significance for Dilated cardiomyopathy 1HH; Myofibrillar myopathy 6. Last evaluated: 2023-03-01. Review status: criteria provided, single submitter. Criteria: Invitae Variant Classification Sherloc (09022015). Collection method: clinical testing. Allele origin: germline.
Comment: In summary, the available evidence is currently insufficient to determine the role of this variant in disease. Therefore, it has been classified as a Variant of Uncertain Significance. This variant has not been reported in the literature in individuals affected with BAG3-related conditions. An algorithm developed to predict the effect of missense changes on protein structure and function (PolyPhen-2) suggests that this variant is likely to be disruptive. This sequence change replaces asparagine, which is neutral and polar, with serine, which is neutral and polar, at codon 50 of the BAG3 protein (p.Asn50Ser). This variant is not present in population databases (gnomAD no frequency).

NM_004281.4(BAG3):c.149A>G (p.Asn50Ser)

Gene: BAG3 (BAG cochaperone 3; plus strand). Cytogenetic location: 10q26.11.
Variant type: single nucleotide variant.
Coding change: c.149A>G on transcript NM_004281.4 (MANE Select); coding-DNA position 149, A replaced by G.
Protein change: p.Asn50Ser; replaces asparagine 50 with serine.
Molecular consequence: missense variant.
Genome position (GRCh38, 1-based): chr10:119,651,824, A>G. VCF-style: chr10-119651824-A-G. GRCh37 (hg19) VCF-style: chr10-121411336-A-G.
Other names: short protein forms N50S.
Identifiers: ClinVar variation 2931980 (VCV002931980.4), dbSNP rs2493980114, ClinGen allele CA378294283.